The following is an entry in ClinVar:

ClinVar aggregate classification (germline): Uncertain significance. Review status: criteria provided, multiple submitters, no conflicts (2 of 4 stars). 3 submissions from 3 submitters: Uncertain significance (3). Last evaluated 2022-03-15.

Conditions:
Cardiovascular phenotype. Identifiers: MedGen CN230736.
Hereditary cancer-predisposing syndrome. Also called: Hereditary neoplastic syndrome; Neoplastic Syndromes, Hereditary; Tumor predisposition; Hereditary Cancer Syndrome. Identifiers: Orphanet 140162, MedGen C0027672, MeSH D009386, MONDO:0015356.
Neurofibromatosis, type 1 (NF1). Also called: VON RECKLINGHAUSEN DISEASE; Peripheral type neurofibromatosis; NEUROFIBROMATOSIS, TYPE I, SOMATIC; Neurofibromatosis, type I. Identifiers: Orphanet 636, MedGen C0027831, MONDO:0018975, OMIM 162200. Disease mechanism: loss of function.

Submissions (3):

Genome-Nilou Lab
Classification: Uncertain significance for Neurofibromatosis, type 1. Last evaluated: 2022-03-15. Review status: criteria provided, single submitter. Criteria: ACMG Guidelines, 2015. Collection method: clinical testing. Allele origin: germline. Affected: no.

Ambry Genetics
Classification: Uncertain significance for Cardiovascular phenotype; Hereditary cancer-predisposing syndrome. Last evaluated: 2021-11-30. Review status: criteria provided, single submitter. Criteria: Ambry Variant Classification Scheme 2023. Collection method: clinical testing. Allele origin: germline.
Comment: The p.R1038S variant (also known as c.3114G>C) is located in coding exon 24 of the NF1 gene. This variant impacts the first base pair of coding exon 24. The arginine at codon 1038 is replaced by serine, an amino acid with dissimilar properties. However, using a minigene assay another study demonstrated that the c.3114G>T alteration does not affect NF1 splicing (Grodeck&aacute; L et al. PLoS ONE, 2014 Feb;9:e89570). This amino acid position is highly conserved in available vertebrate species. In addition, as a missense substitution this alteration is predicted to be deleterious by in silico analysis. Since supporting evidence is limited at this time, the clinical significance of this alteration remains unclear.

Labcorp Genetics (formerly Invitae), Labcorp
Classification: Uncertain significance for Neurofibromatosis, type 1. Last evaluated: 2019-02-21. Review status: criteria provided, single submitter. Criteria: Invitae Variant Classification Sherloc (09022015). Collection method: clinical testing. Allele origin: germline.
Comment: This sequence change replaces arginine with serine at codon 1038 of the NF1 protein (p.Arg1038Ser). The arginine residue is moderately conserved and there is a moderate physicochemical difference between arginine and serine. This variant is not present in population databases (ExAC no frequency). This missense change has been observed in an individual affected with neurofibromatosis type 1 (PMID: 16835897). ClinVar contains an entry for this variant (Variation ID: 480179). Algorithms developed to predict the effect of missense changes on protein structure and function are either unavailable or do not agree on the potential impact of this missense change (SIFT: "Deleterious"; PolyPhen-2: "Probably Damaging"; Align-GVGD: "Class C0"). Algorithms developed to predict the effect of sequence changes on RNA splicing suggest that this variant may disrupt the consensus splice site, but this prediction has not been confirmed by published transcriptional studies. In summary, the available evidence is currently insufficient to determine the role of this variant in disease. Therefore, it has been classified as a Variant of Uncertain Significance.

Literature cited by the submitters: PubMed 16835897 (cited by Labcorp Genetics (formerly Invitae), Labcorp).

NM_001042492.3(NF1):c.3114G>C (p.Arg1038Ser)

Gene: NF1 (neurofibromin 1; plus strand). Cytogenetic location: 17q11.2.
Variant type: single nucleotide variant.
Coding change: c.3114G>C on transcript NM_001042492.3 (MANE Select); coding-DNA position 3114, G replaced by C.
Protein change: p.Arg1038Ser; replaces arginine 1038 with serine.
Molecular consequence: missense variant.
Genome position (GRCh38, 1-based): chr17:31,230,842, G>C. VCF-style: chr17-31230842-G-C. GRCh37 (hg19) VCF-style: chr17-29557860-G-C.
Other names: c.3114G>C, p.Arg1038Ser (NM_000267.4); short protein forms R1038S.
Identifiers: ClinVar variation 480179 (VCV000480179.7), dbSNP rs1555614616, ClinGen allele CA398987831.